The following is an entry in ClinVar:

NM_007194.4(CHEK2):c.1453T>C (p.Trp485Arg)

Gene: CHEK2 (checkpoint kinase 2; minus strand). Cytogenetic location: 22q12.1.
Variant type: single nucleotide variant.
Coding change: c.1453T>C on transcript NM_007194.4 (MANE Select); coding-DNA position 1453, T replaced by C.
Protein change: p.Trp485Arg; replaces tryptophan 485 with arginine.
Molecular consequence: missense variant.
Genome position (GRCh38, 1-based): chr22:28,694,040, A>G on the plus strand (T>C on the coding strand, the complement: CHEK2 is on the minus strand). VCF-style: chr22-28694040-A-G. GRCh37 (hg19) VCF-style: chr22-29090028-A-G.
Other names: c.1582T>C, p.Trp528Arg (NM_001005735.3); c.790T>C, p.Trp264Arg (NM_001257387.3); c.1252T>C, p.Trp418Arg (NM_001349956.3); c.1366T>C, p.Trp456Arg (NM_145862.3); short protein forms W485R, W418R, W264R, W456R, W528R.
Identifiers: ClinVar variation 185521 (VCV000185521.14), dbSNP rs786202244, ClinGen allele CA192176.

ClinVar aggregate classification (germline): Uncertain significance. Review status: criteria provided, multiple submitters, no conflicts (2 of 4 stars). 2 submissions from 2 submitters: Uncertain significance (2). Last evaluated 2023-11-23.

Conditions:
Hereditary cancer-predisposing syndrome. Also called: Hereditary neoplastic syndrome; Neoplastic Syndromes, Hereditary; Tumor predisposition; Hereditary Cancer Syndrome. Identifiers: Orphanet 140162, MedGen C0027672, MeSH D009386, MONDO:0015356.
Familial cancer of breast. Also called: BREAST CANCER, FAMILIAL; Hereditary breast cancer; hereditary breast carcinoma. Identifiers: Orphanet 227535, MedGen C0346153, MONDO:0016419, OMIM 114480. Disease mechanism: loss of function.

Submissions (2):

Ambry Genetics
Classification: Uncertain significance for Hereditary cancer-predisposing syndrome. Last evaluated: 2023-11-23. Review status: criteria provided, single submitter. Criteria: Ambry Variant Classification Scheme 2023. Collection method: clinical testing. Allele origin: germline.
Comment: The p.W485R variant (also known as c.1453T>C), located in coding exon 12 of the CHEK2 gene, results from a T to C substitution at nucleotide position 1453. The tryptophan at codon 485 is replaced by arginine, an amino acid with dissimilar properties. This amino acid position is well conserved in available vertebrate species. In addition, this alteration is predicted to be deleterious by in silico analysis. Since supporting evidence is limited at this time, the clinical significance of this alteration remains unclear.

Labcorp Genetics (formerly Invitae), Labcorp
Classification: Uncertain significance for Familial cancer of breast. Last evaluated: 2021-05-07. Review status: criteria provided, single submitter. Criteria: Invitae Variant Classification Sherloc (09022015). Collection method: clinical testing. Allele origin: germline.
Comment: This sequence change replaces tryptophan with arginine at codon 485 of the CHEK2 protein (p.Trp485Arg). The tryptophan residue is highly conserved and there is a moderate physicochemical difference between tryptophan and arginine. This variant is not present in population databases (ExAC no frequency). This variant has not been reported in the literature in individuals with CHEK2-related conditions. ClinVar contains an entry for this variant (Variation ID: 185521). Algorithms developed to predict the effect of missense changes on protein structure and function are either unavailable or do not agree on the potential impact of this missense change (SIFT: "Deleterious"; PolyPhen-2: "Probably Damaging"; Align-GVGD: "Class C0"). In summary, the available evidence is currently insufficient to determine the role of this variant in disease. Therefore, it has been classified as a Variant of Uncertain Significance.